The following is an entry in ClinVar:

ClinVar aggregate classification (germline): Likely pathogenic (1 of 4 stars; one submission).

Conditions:
Fanconi anemia complementation group G. Also called: FANCG-Related Fanconi Anemia; Fanconi anemia group G. Identifiers: Orphanet 84, MedGen C3469527, MONDO:0013565, OMIM 614082.

Submission:

Natera, Inc.
Classification: Likely pathogenic for Fanconi anemia group G. Last evaluated: 2024-08-04. Review status: criteria provided, single submitter. Criteria: Natera Variant Classification Schema (03/2026). Collection method: clinical testing. Allele origin: germline.
Comment: The c.3G>A variant in FANCG is predicted to result in start loss due to disruption of the initiator methionine. This variant is expected to result in nonsense mediated decay, truncation, or a dysfunctional protein product. This variant is rare in the general population with a frequency below the threshold expected for the associated phenotype(s). Given the available evidence, this variant is classified as Likely Pathogenic.

NM_004629.2(FANCG):c.3G>A (p.Met1Ile)

Gene: FANCG (FA complementation group G; minus strand). Cytogenetic location: 9p13.3.
Variant type: single nucleotide variant.
Coding change: c.3G>A on transcript NM_004629.2 (MANE Select); coding-DNA position 3, G replaced by A.
Protein change: p.Met1Ile; changes the start codon (methionine 1).
Molecular consequence: missense variant, initiator codon variant.
Genome position (GRCh38, 1-based): chr9:35,079,522, C>T on the plus strand (G>A on the coding strand, the complement: FANCG is on the minus strand). VCF-style: chr9-35079522-C-T. GRCh37 (hg19) VCF-style: chr9-35079519-C-T.
Other names: short protein forms M1I.
Identifiers: ClinVar variation 4815374 (VCV004815374.1).